The following is an entry in ClinVar:

NM_001103.4(ACTN2):c.34T>C (p.Tyr12His)

Gene: ACTN2 (actinin alpha 2; plus strand). Cytogenetic location: 1q43.
Variant type: single nucleotide variant.
Coding change: c.34T>C on transcript NM_001103.4 (MANE Select); coding-DNA position 34, T replaced by C.
Protein change: p.Tyr12His; replaces tyrosine 12 with histidine.
Molecular consequence: missense variant. On other transcripts: non-coding transcript variant (1).
Genome position (GRCh38, 1-based): chr1:236,686,707, T>C. VCF-style: chr1-236686707-T-C. GRCh37 (hg19) VCF-style: chr1-236850007-T-C.
Other names: c.34T>C, p.Tyr12His (NM_001278343.2); c.34T>C (NM_001103.2); short protein forms Y12H.
Identifiers: ClinVar variation 3895070 (VCV003895070.2).

ClinVar aggregate classification (germline): Uncertain significance. Review status: criteria provided, multiple submitters, no conflicts (2 of 4 stars). 2 submissions from 2 submitters: Uncertain significance (2). Last evaluated 2025-07-21.

Conditions:
Cardiovascular phenotype. Identifiers: MedGen CN230736.

Submissions (2):

GeneDx
Classification: Uncertain significance. Last evaluated: 2025-07-21. Review status: criteria provided, single submitter. Criteria: GeneDx Variant Classification Process June 2021. Collection method: clinical testing. Allele origin: germline. Affected: yes.
Comment: Not observed at significant frequency in large population cohorts (gnomAD); In silico analysis suggests that this missense variant does not alter protein structure/function; Has not been previously published as pathogenic or benign to our knowledge

Molecular Diagnostic Laboratory for Inherited Cardiovascular Disease, Montreal Heart Institute
Classification: Uncertain significance for Cardiovascular phenotype. Last evaluated: 2025-04-09. Review status: criteria provided, single submitter. Criteria: ACMG Guidelines, 2015. Collection method: clinical testing. Allele origin: germline. Affected: yes.